The following is an entry in ClinVar:

ClinVar aggregate classification (germline): Pathogenic/Likely pathogenic. Review status: criteria provided, multiple submitters, no conflicts (2 of 4 stars). 7 submissions from 7 submitters: Pathogenic (3); Likely pathogenic (3). 1 of the submissions does not count toward it. Last evaluated 2025-10-14.

Conditions:
ABCA4-related disorder. Also called: ABCA4-related condition; ABCA4-related disorders. Identifiers: MedGen CN239167.
Severe early-childhood-onset retinal dystrophy (STGD1). Also called: Stargardt macular dystrophy; Juvenile onset macular degeneration; Stargardt disease 1; MACULAR DYSTROPHY WITH FLECKS, TYPE 1; STGD. Identifiers: Orphanet 364055, Orphanet 827, MedGen C1855465, MeSH D000080362, MONDO:0009549, OMIM 248200.
Cone-rod dystrophy 3 (CORD3). Identifiers: Orphanet 1872, MedGen C1858806, MONDO:0011395, OMIM 604116.
Retinitis pigmentosa 19 (RP19). Also called: ABCA4-Related Retinitis Pigmentosa. Identifiers: Orphanet 791, MedGen C1866422, MONDO:0011137, OMIM 601718.
Age related macular degeneration 2. Also called: MACULAR DEGENERATION, SENILE; MACULOPATHY, AGE-RELATED, 2; MACULOPATHY, AGE-RELATED. Identifiers: MedGen C3495438, MONDO:0007932, OMIM 153800.

Allele frequency attached by ClinVar (database versions not stated): ExAC 0.00002; gnomAD 0.00009 and 0.00010; TOPMed 0.00005; gnomAD exomes 0.00002 and 0.00003.
gnomAD v4.1: 59 of 1,613,978 alleles (0.0037%); highest among the groups gnomAD compares: Admixed American, 0.018%; no homozygotes.

Submissions (7):

Labcorp Genetics (formerly Invitae), Labcorp
Classification: Pathogenic. Last evaluated: 2025-10-14. Review status: criteria provided, single submitter. Criteria: Invitae Variant Classification Sherloc (09022015). Collection method: clinical testing. Allele origin: germline.
Comment: This sequence change replaces threonine, which is neutral and polar, with alanine, which is neutral and non-polar, at codon 2240 of the ABCA4 protein (p.Thr2240Ala). This variant is present in population databases (rs779585931, gnomAD 0.01%). This missense change has been observed in individual(s) with Stargardt disease (PMID: 21911583, 23755871, 32619608). In at least one individual the data is consistent with being in trans (on the opposite chromosome) from a pathogenic variant. ClinVar contains an entry for this variant (Variation ID: 866115). Invitae Evidence Modeling of protein sequence and biophysical properties (such as structural, functional, and spatial information, amino acid conservation, physicochemical variation, residue mobility, and thermodynamic stability) indicates that this missense variant is expected to disrupt ABCA4 protein function with a positive predictive value of 95%. For these reasons, this variant has been classified as Pathogenic.

3billion
Classification: Likely pathogenic for ABCA4-related disorder. Last evaluated: 2025-09-22. Review status: criteria provided, single submitter. Criteria: ACMG Guidelines, 2015. Collection method: clinical testing. Allele origin: germline. Affected: yes.
Comment: The variant is observed at an extremely low frequency in the gnomAD v4.1.0 dataset (total allele frequency: 0.004%). Predicted Consequence/Location: Missense variant In silico tool predictions suggest damaging effect of the variant on gene or gene product [REVEL: 0.87 (>=0.6, sensitivity 0.68 and specificity 0.92)]. The same nucleotide change resulting in the same amino acid change has been previously reported as pathogenic/likely pathogenic with strong evidence (ClinVar ID: VCV000866115). Therefore, this variant is classified as Likely pathogenic according to the recommendation of ACMG/AMP guideline.

Variantyx, Inc.
Classification: Likely pathogenic for Severe early-childhood-onset retinal dystrophy. Last evaluated: 2025-07-16. Review status: criteria provided, single submitter. Criteria: Variantyx Assertion Criteria 2022. Collection method: clinical testing. Allele origin: germline. Inheritance: Autosomal recessive inheritance. Affected: no.
Comment: This is a nonsynonymous variant in the ABCA4 gene (OMIM: 601691). Pathogenic variants in this gene have been associated with autosomal recessive Stargardt disease 1. Multiple computational algorithms predict a deleterious effect for this variant (REVEL score: 0.866) (PP3). This variant has a 0.0183% maximum allele frequency in non-founder control populations (PM2). Based on the current evidence, this variant is classified as likely pathogenic for autosomal recessive Stargardt disease 1.

Blueprint Genetics
Classification: Pathogenic for ABCA4-related disorders. Last evaluated: 2024-08-30. Review status: criteria provided, single submitter. Criteria: ACMG Guidelines, 2015. Collection method: clinical testing. Allele origin: germline. Affected: yes. Observed: 5 variant alleles.

Fulgent Genetics
Classification: Pathogenic for Age related macular degeneration 2; Severe early-childhood-onset retinal dystrophy; Retinitis pigmentosa 19; Cone-rod dystrophy 3. Last evaluated: 2024-03-13. Review status: criteria provided, single submitter. Criteria: ACMG Guidelines, 2015. Collection method: clinical testing. Allele origin: germline.

GeneDx
Classification: Likely pathogenic. Last evaluated: 2020-11-10. Review status: criteria provided, single submitter. Criteria: GeneDx Variant Classification Process June 2021. Collection method: clinical testing. Allele origin: germline. Affected: yes.
Comment: In silico analysis supports that this missense variant has a deleterious effect on protein structure/function; This variant is associated with the following publications: (PMID: 17296903, 23755871, 32619608, 32483926, 21911583)

Ophthalmo-Genetics Lab, Instituto de Oftalmologia Conde de Valenciana
Classification: Likely pathogenic for Severe early-childhood-onset retinal dystrophy. Review status: no assertion criteria provided. Collection method: research. Allele origin: germline. Inheritance: Autosomal recessive inheritance. Affected: yes. Not counted in ClinVar's aggregate classification.

Literature cited by the submitters: PubMed 21911583 (cited by 3 submitters); PubMed 23755871 (cited by Labcorp Genetics (formerly Invitae), Labcorp and Variantyx, Inc.); PubMed 32619608 (cited by Labcorp Genetics (formerly Invitae), Labcorp).

NM_000350.3(ABCA4):c.6718A>G (p.Thr2240Ala)

Gene: ABCA4 (ATP binding cassette subfamily A member 4; minus strand). Cytogenetic location: 1p22.1.
Variant type: single nucleotide variant.
Coding change: c.6718A>G on transcript NM_000350.3 (MANE Select); coding-DNA position 6718, A replaced by G.
Protein change: p.Thr2240Ala; replaces threonine 2240 with alanine.
Molecular consequence: missense variant.
Genome position (GRCh38, 1-based): chr1:93,997,872, T>C on the plus strand (A>G on the coding strand, the complement: ABCA4 is on the minus strand). VCF-style: chr1-93997872-T-C. GRCh37 (hg19) VCF-style: chr1-94463428-T-C.
Other names: c.6496A>G, p.Thr2166Ala (NM_001425324.1); short protein forms T2240A, T2166A.
Identifiers: ClinVar variation 866115 (VCV000866115.15), dbSNP rs779585931, ClinGen allele CA956820.